The following is an entry in ClinVar:

NM_004529.4(MLLT3):c.516C>T (p.Ser172=)

Gene: MLLT3 (MLLT3 super elongation complex subunit; minus strand). Cytogenetic location: 9p21.3.
Variant type: single nucleotide variant.
Coding change: c.516C>T on transcript NM_004529.4 (MANE Select); coding-DNA position 516, C replaced by T.
Protein change: p.Ser172=; no amino-acid change (serine 172 retained).
Molecular consequence: synonymous variant.
Genome position (GRCh38, 1-based): chr9:20,414,330, G>A on the plus strand (C>T on the coding strand, the complement: MLLT3 is on the minus strand). VCF-style: chr9-20414330-G-A. GRCh37 (hg19) VCF-style: chr9-20414328-G-A.
Other names: c.507C>T, p.Ser169= (NM_001286691.2).
Identifiers: ClinVar variation 4821066 (VCV004821066.4).

ClinVar aggregate classification (germline): Likely benign (1 of 4 stars; one submission).

gnomAD v4.1: 1 of 1,606,662 alleles (0.000062%); highest among the groups gnomAD compares: Non-Finnish European, 0.000085%; no homozygotes.

Submission:

CeGaT Center for Human Genetics Tuebingen
Classification: Likely benign. Last evaluated: 2026-01-01. Review status: criteria provided, single submitter. Criteria: CeGaT Center For Human Genetics Tuebingen Variant Classification Criteria Version 2. Collection method: clinical testing. Allele origin: germline. Affected: yes. Observed: 1 variant allele.
Comment: MLLT3: BP4, BP7